The following is an entry in ClinVar:

ClinVar aggregate classification (germline): Benign/Likely benign. Review status: criteria provided, multiple submitters, no conflicts (2 of 4 stars). 6 submissions from 6 submitters: Benign (1); Likely benign (4). 1 of the submissions does not count toward it. Last evaluated 2025-11-27.

Conditions:
Renal cell carcinoma. Identifiers: Orphanet 217071, MedGen C0007134, MeSH D002292, MONDO:0005086, HP:0005584.
MET-related disorder. Also called: MET-related condition.
Hereditary cancer-predisposing syndrome. Also called: Neoplastic Syndromes, Hereditary; Tumor predisposition; Hereditary Cancer Syndrome; Hereditary neoplastic syndrome. Identifiers: Orphanet 140162, MedGen C0027672, MeSH D009386, MONDO:0015356.
Papillary renal cell carcinoma type 1 (RCCP1). Also called: Renal adenocarcinoma; Renal cell carcinoma 1; Renal cell carcinoma, somatic; RENAL CELL CARCINOMA, PAPILLARY, 1, SOMATIC. Identifiers: Orphanet 47044, MedGen C1336839, OMIM 605074, HP:0011797.

Allele frequency attached by ClinVar (database versions not stated): ExAC 0.00001; gnomAD exomes 0.00001 and 0.00002; TOPMed 0.00001.
gnomAD v4.1: 9 of 1,614,180 alleles (0.00056%); highest among the groups gnomAD compares: African/African-American, 0.0013%; no homozygotes.

Submissions (6):

Labcorp Genetics (formerly Invitae), Labcorp
Classification: Likely benign for Renal cell carcinoma. Last evaluated: 2025-11-27. Review status: criteria provided, single submitter. Criteria: Invitae Variant Classification Sherloc (09022015). Collection method: clinical testing. Allele origin: germline.

Myriad Genetics, Inc.
Classification: Benign for Papillary renal cell carcinoma type 1. Last evaluated: 2024-11-07. Review status: criteria provided, single submitter. Criteria: Myriad Autosomal Dominant, Autosomal Recessive and X-Linked Classification Criteria (2023). Collection method: clinical testing. Allele origin: unknown.
Comment: This variant is considered benign. This variant is a silent/synonymous amino acid change and it is not expected to impact splicing.

Blueprint Genetics
Classification: Likely benign. Last evaluated: 2023-04-17. Review status: criteria provided, single submitter. Criteria: ACMG Guidelines, 2015. Collection method: clinical testing. Allele origin: germline.

Ambry Genetics
Classification: Likely benign for Hereditary cancer-predisposing syndrome. Last evaluated: 2020-07-27. Review status: criteria provided, single submitter. Criteria: Ambry Variant Classification Scheme 2023. Collection method: clinical testing. Allele origin: germline.

GeneDx
Classification: Likely benign. Last evaluated: 2018-05-22. Review status: criteria provided, single submitter. Criteria: GeneDx Variant Classification (06012015). Collection method: clinical testing. Allele origin: germline. Affected: yes.
Comment: This variant is considered likely benign or benign based on one or more of the following criteria: it is a conservative change, it occurs at a poorly conserved position in the protein, it is predicted to be benign by multiple in silico algorithms, and/or has population frequency not consistent with disease.

PreventionGenetics, part of Exact Sciences
Classification: Likely benign for MET-related condition. Last evaluated: 2024-07-03. Review status: no assertion criteria provided. Collection method: clinical testing. Allele origin: germline. Not counted in ClinVar's aggregate classification.
Comment: This variant is classified as likely benign based on ACMG/AMP sequence variant interpretation guidelines (Richards et al. 2015 PMID: 25741868, with internal and published modifications).

NM_000245.4(MET):c.1617C>T (p.Gly539=)

Gene: MET (MET proto-oncogene, receptor tyrosine kinase; plus strand). Cytogenetic location: 7q31.2.
Variant type: single nucleotide variant.
Coding change: c.1617C>T on transcript NM_000245.4 (MANE Select); coding-DNA position 1617, C replaced by T.
Protein change: p.Gly539=; no amino-acid change (glycine 539 retained).
Molecular consequence: synonymous variant.
Genome position (GRCh38, 1-based): chr7:116,740,941, C>T. VCF-style: chr7-116740941-C-T. GRCh37 (hg19) VCF-style: chr7-116380995-C-T.
Other names: c.1617C>T (NM_001127500.2); c.1617C>T, p.Gly539= (NM_001127500.3, NM_001324401.3); c.327C>T, p.Gly109= (NM_001324402.2).
Identifiers: ClinVar variation 411907 (VCV000411907.16), dbSNP rs776490266, ClinGen allele CA4448208.